The following is an entry in ClinVar:

NM_001114753.3(ENG):c.91G>A (p.Asp31Asn)

Gene: ENG (endoglin; minus strand). Cytogenetic location: 9q34.11.
Variant type: single nucleotide variant.
Coding change: c.91G>A on transcript NM_001114753.3 (MANE Select); coding-DNA position 91, G replaced by A.
Protein change: p.Asp31Asn; replaces aspartic acid 31 with asparagine.
Molecular consequence: missense variant. On other transcripts: 5 prime UTR variant (1).
Genome position (GRCh38, 1-based): chr9:127,843,222, C>T on the plus strand (G>A on the coding strand, the complement: ENG is on the minus strand). VCF-style: chr9-127843222-C-T. GRCh37 (hg19) VCF-style: chr9-130605501-C-T.
Other names: c.91G>A, p.Asp31Asn (NM_000118.4, NM_001406715.1); c.-456G>A (NM_001278138.2); short protein forms D31N.
Identifiers: ClinVar variation 957202 (VCV000957202.11), dbSNP rs1831084391, ClinGen allele CA374989169.

ClinVar aggregate classification (germline): Uncertain significance (1 of 4 stars; one submission).

Conditions:
Hereditary hemorrhagic telangiectasia (HHT). Also called: Osler hemorrhagic telangiectasia syndrome; ORW DISEASE; Osler Weber Rendu syndrome; OSLER-RENDU-WEBER DISEASE. Identifiers: Orphanet 774, MedGen C0039445, MONDO:0019180. Disease mechanism: loss of function.

Submission:

Labcorp Genetics (formerly Invitae), Labcorp
Classification: Uncertain significance for Hereditary hemorrhagic telangiectasia. Last evaluated: 2019-09-23. Review status: criteria provided, single submitter. Criteria: Invitae Variant Classification Sherloc (09022015). Collection method: clinical testing. Allele origin: germline.
Comment: In summary, the available evidence is currently insufficient to determine the role of this variant in disease. Therefore, it has been classified as a Variant of Uncertain Significance. Algorithms developed to predict the effect of missense changes on protein structure and function output the following: SIFT: "Deleterious"; PolyPhen-2: "Benign"; Align-GVGD: "Class C0". The asparagine amino acid residue is found in multiple mammalian species, suggesting that this missense change does not adversely affect protein function. These predictions have not been confirmed by published functional studies and their clinical significance is uncertain. This variant has not been reported in the literature in individuals with ENG-related conditions. This variant is not present in population databases (ExAC no frequency). This sequence change replaces aspartic acid with asparagine at codon 31 of the ENG protein (p.Asp31Asn). The aspartic acid residue is highly conserved and there is a small physicochemical difference between aspartic acid and asparagine.